The following is an entry in ClinVar:

NM_024408.4(NOTCH2):c.4889G>A (p.Arg1630His)

Gene: NOTCH2 (notch receptor 2; minus strand). Cytogenetic location: 1p12.
Variant type: single nucleotide variant.
Coding change: c.4889G>A on transcript NM_024408.4 (MANE Select); coding-DNA position 4889, G replaced by A.
Protein change: p.Arg1630His; replaces arginine 1630 with histidine.
Molecular consequence: missense variant.
Genome position (GRCh38, 1-based): chr1:119,922,749, C>T on the plus strand (G>A on the coding strand, the complement: NOTCH2 is on the minus strand). VCF-style: chr1-119922749-C-T. GRCh37 (hg19) VCF-style: chr1-120465372-C-T.
Other names: c.4889G>A (NM_024408.3); short protein forms R1630H.
Identifiers: ClinVar variation 3020444 (VCV003020444.6), dbSNP rs1230304595, ClinGen allele CA341888253.
Genomic context (GRCh38, chr1:119,922,749, plus strand): 5'-AGGAGAGCTGCTGCTGCATCCGTGTTCTTGAAGCAGTGGTCTGAGTCTTGAACACACTGG[C>T]GGTTGTCAATTTCCAGAAAGACTTTAGAGCTGTGGGATGCCAAGGGAGAAGCGGAGGAGG-3'
Protein context (NP_077719.2, residues 1620-1640): GSKVFLEIDN[Arg1630His]QCVQDSDHCF

ClinVar aggregate classification (germline): Uncertain significance. Review status: criteria provided, multiple submitters, no conflicts (2 of 4 stars). 2 submissions from 2 submitters: Uncertain significance (2). Last evaluated 2026-09-18.

Conditions:
NOTCH2-related disorder. Also called: NOTCH2-related condition.
Hajdu-Cheney syndrome (HJCYS). Also called: ACROOSTEOLYSIS WITH OSTEOPOROSIS AND CHANGES IN SKULL AND MANDIBLE; SERPENTINE FIBULA-POLYCYSTIC KIDNEY SYNDROME; Acroosteolysis dominant type. Identifiers: Orphanet 955, MedGen C0917715, MONDO:0007057, OMIM 102500.

Allele frequency attached by ClinVar (database versions not stated): gnomAD 0.00001; TOPMed 0.00001; gnomAD exomes 0.00004.
gnomAD v4.1: 56 of 1,613,968 alleles (0.0035%); highest among the groups gnomAD compares: Non-Finnish European, 0.0043%; no homozygotes.

Submissions (2):

PreventionGenetics, part of Exact Sciences
Classification: Uncertain significance for NOTCH2-related condition. Last evaluated: 2026-09-18. Review status: criteria provided, single submitter. Criteria: ACMG Guidelines, 2015. Collection method: clinical testing. Allele origin: germline.
Comment: The NOTCH2 c.4889G>A variant is predicted to result in the amino acid substitution p.Arg1630His. To our knowledge, this variant has not been reported in the literature. This variant is reported in 0.00090% of alleles in individuals of European (Non-Finnish) descent in gnomAD. At this time, the clinical significance of this variant is uncertain due to the absence of conclusive functional and genetic evidence.

Labcorp Genetics (formerly Invitae), Labcorp
Classification: Uncertain significance for Hajdu-Cheney syndrome. Last evaluated: 2025-11-22. Review status: criteria provided, single submitter. Criteria: Invitae Variant Classification Sherloc (09022015). Collection method: clinical testing. Allele origin: germline.
Comment: This sequence change replaces arginine, which is basic and polar, with histidine, which is basic and polar, at codon 1630 of the NOTCH2 protein (p.Arg1630His). This variant is present in population databases (no rsID available, gnomAD 0.0009%). This variant has not been reported in the literature in individuals affected with NOTCH2-related conditions. ClinVar contains an entry for this variant (Variation ID: 3020444). Invitae Evidence Modeling of protein sequence and biophysical properties (such as structural, functional, and spatial information, amino acid conservation, physicochemical variation, residue mobility, and thermodynamic stability) indicates that this missense variant is not expected to disrupt NOTCH2 protein function with a negative predictive value of 80%. In summary, the available evidence is currently insufficient to determine the role of this variant in disease. Therefore, it has been classified as a Variant of Uncertain Significance.